The following is an entry in ClinVar:

NM_006129.5(BMP1):c.2594G>A (p.Arg865Gln)

Gene: BMP1 (bone morphogenetic protein 1; plus strand). Cytogenetic location: 8p21.3.
Variant type: single nucleotide variant.
Coding change: c.2594G>A on transcript NM_006129.5 (MANE Select); coding-DNA position 2594, G replaced by A.
Protein change: p.Arg865Gln; replaces arginine 865 with glutamine.
Molecular consequence: missense variant. On other transcripts: non-coding transcript variant (1).
Genome position (GRCh38, 1-based): chr8:22,209,463, G>A. VCF-style: chr8-22209463-G-A. GRCh37 (hg19) VCF-style: chr8-22066976-G-A.
Other names: short protein forms R865Q.
Identifiers: ClinVar variation 362600 (VCV000362600.11), dbSNP rs142443043, ClinGen allele CA4665323.

ClinVar aggregate classification (germline): Uncertain significance. Review status: criteria provided, multiple submitters, no conflicts (2 of 4 stars). 4 submissions from 4 submitters: Uncertain significance (4). Last evaluated 2026-06-10.

Conditions:
Inborn genetic diseases. Identifiers: MedGen C0950123, MeSH D030342.
Osteogenesis imperfecta type 13. Also called: OI, TYPE XIII; Osteogenesis imperfecta, type xiii. Identifiers: Orphanet 666, MedGen C3553887, MONDO:0013924, OMIM 614856.

Allele frequency attached by ClinVar (database versions not stated): gnomAD exomes 0.00006; ExAC 0.00007; gnomAD 0.00009 and 0.00007; TOPMed 0.00009; ESP Exome Variant Server 0.00031.
gnomAD v4.1: 246 of 1,614,034 alleles (0.015%); highest among the groups gnomAD compares: Non-Finnish European, 0.019%; no homozygotes.

Submissions (4):

Women's Health and Genetics/Laboratory Corporation of America, LabCorp
Classification: Uncertain significance. Last evaluated: 2026-06-10. Review status: criteria provided, single submitter. Criteria: LabCorp Variant Classification Summary - May 2015. Collection method: clinical testing. Allele origin: germline.
Comment: Variant summary: BMP1 c.2594G>A (p.Arg865Gln) results in a conservative amino acid change in the encoded protein sequence. Algorithms developed to predict the effect of missense changes on protein structure and function are either unavailable or do not agree on the potential impact of this missense change. The variant allele was found at a frequency of 6e-05 in 251410 control chromosomes. This frequency is not significantly higher than estimated for disease-causing variants in BMP1, allowing no conclusion about variant significance. To our knowledge, no occurrence of c.2594G>A in individuals affected with BMP1-related conditions and no experimental evidence demonstrating its impact on protein function have been reported. ClinVar contains an entry for this variant (Variation ID: 362600). Based on the evidence outlined above, the variant was classified as uncertain significance.

Ambry Genetics
Classification: Uncertain significance for Inborn genetic diseases. Last evaluated: 2022-08-08. Review status: criteria provided, single submitter. Criteria: Ambry Variant Classification Scheme 2023. Collection method: clinical testing. Allele origin: germline.

Labcorp Genetics (formerly Invitae), Labcorp
Classification: Uncertain significance. Last evaluated: 2022-04-27. Review status: criteria provided, single submitter. Criteria: Invitae Variant Classification Sherloc (09022015). Collection method: clinical testing. Allele origin: germline.
Comment: This sequence change replaces arginine, which is basic and polar, with glutamine, which is neutral and polar, at codon 865 of the BMP1 protein (p.Arg865Gln). This variant is present in population databases (rs142443043, gnomAD 0.009%). This variant has not been reported in the literature in individuals affected with BMP1-related conditions. ClinVar contains an entry for this variant (Variation ID: 362600). Algorithms developed to predict the effect of missense changes on protein structure and function output the following: SIFT: "Deleterious"; PolyPhen-2: "Benign"; Align-GVGD: "Class C35". The glutamine amino acid residue is found in multiple mammalian species, which suggests that this missense change does not adversely affect protein function. In summary, the available evidence is currently insufficient to determine the role of this variant in disease. Therefore, it has been classified as a Variant of Uncertain Significance.

Illumina Laboratory Services, Illumina
Classification: Uncertain significance for Osteogenesis imperfecta type 13. Last evaluated: 2018-01-13. Review status: criteria provided, single submitter. Criteria: ICSL Variant Classification Criteria 13 December 2019. Collection method: clinical testing. Allele origin: germline.